The following is an entry in ClinVar:

NM_172245.4(CSF2RA):c.1129A>C (p.Ile377Leu)

Gene: CSF2RA (colony stimulating factor 2 receptor subunit alpha; plus strand). Cytogenetic location: Xp22.33.
Variant type: single nucleotide variant.
Coding change: c.1129A>C on transcript NM_172245.4 (MANE Select); coding-DNA position 1129, A replaced by C.
Protein change: p.Ile377Leu; replaces isoleucine 377 with leucine.
Molecular consequence: missense variant. On other transcripts: 3 prime UTR variant (5), non-coding transcript variant (1), intron variant (6).
Genome position (GRCh38, 1-based): chrX:1,309,405, A>C. VCF-style: chrX-1309405-A-C. GRCh37 (hg19) VCF-style: chrX-1428298-A-C.
Other names: c.1129A>C, p.Ile377Leu (NM_001161529.2, NM_001379156.1, NM_001379158.1 and 1 more transcripts); c.1231A>C, p.Ile411Leu (NM_001161530.2, NM_001379153.1, NM_001379154.1); c.730A>C, p.Ile244Leu (NM_001161532.2); c.1099A>C, p.Ile367Leu (NM_001379160.1); c.940A>C, p.Ile314Leu (NM_001379166.1); c.*30A>C (NM_001379167.1, NM_001379168.1, NM_001379169.1 and 2 more transcripts); c.950A>C, p.His317Pro (NM_172246.4); c.1125+3878A>C (NM_001379163.1, NM_001379162.1, NM_001379164.1 and 2 more transcripts); and 1 more; short protein forms I367L, I314L, I411L, H317P, I244L, I377L.
Identifiers: ClinVar variation 1044720 (VCV001044720.8), dbSNP rs2084015817, ClinGen allele CA412237435.

ClinVar aggregate classification (germline): Uncertain significance (1 of 4 stars; one submission).

Conditions:
Surfactant metabolism dysfunction, pulmonary, 4 (SMDP4). Also called: PAP DUE TO CSF2RA DEFICIENCY; PULMONARY ALVEOLAR PROTEINOSIS, CONGENITAL, 4; CSF2RA DEFICIENCY. Identifiers: Orphanet 264675, MedGen C2677877, MONDO:0010424, OMIM 300770.

Submission:

Labcorp Genetics (formerly Invitae), Labcorp
Classification: Uncertain significance for Surfactant metabolism dysfunction, pulmonary, 4. Last evaluated: 2024-10-23. Review status: criteria provided, single submitter. Criteria: Invitae Variant Classification Sherloc (09022015). Collection method: clinical testing. Allele origin: germline.
Comment: This sequence change replaces isoleucine, which is neutral and non-polar, with leucine, which is neutral and non-polar, at codon 377 of the CSF2RA protein (p.Ile377Leu). This variant is not present in population databases (gnomAD no frequency). This variant has not been reported in the literature in individuals affected with CSF2RA-related conditions. ClinVar contains an entry for this variant (Variation ID: 1044720). An algorithm developed to predict the effect of missense changes on protein structure and function outputs the following: PolyPhen-2: "Benign". The leucine amino acid residue is found in multiple mammalian species, which suggests that this missense change does not adversely affect protein function. In summary, the available evidence is currently insufficient to determine the role of this variant in disease. Therefore, it has been classified as a Variant of Uncertain Significance.